The following is an entry in ClinVar:

NM_001370259.2(MEN1):c.1344G>C (p.Glu448Asp)

Gene: MEN1 (menin 1; minus strand). Cytogenetic location: 11q13.1.
Variant type: single nucleotide variant.
Coding change: c.1344G>C on transcript NM_001370259.2 (MANE Select); coding-DNA position 1344, G replaced by C.
Protein change: p.Glu448Asp; replaces glutamic acid 448 with aspartic acid.
Molecular consequence: missense variant.
Genome position (GRCh38, 1-based): chr11:64,805,040, C>G on the plus strand (G>C on the coding strand, the complement: MEN1 is on the minus strand). VCF-style: chr11-64805040-C-G. GRCh37 (hg19) VCF-style: chr11-64572512-C-G.
Other names: c.1359G>C, p.Glu453Asp (NM_000244.4, NM_130800.3, NM_130801.3 and 3 more transcripts); c.1470G>C, p.Glu490Asp (NM_001370251.2); c.1344G>C, p.Glu448Asp (NM_001370260.2, NM_001370261.2, NM_130799.3); c.1239G>C, p.Glu413Asp (NM_001370262.2, NM_001370263.2); short protein forms E413D, E448D, E490D, E453D.
Identifiers: ClinVar variation 1493240 (VCV001493240.9), dbSNP rs371339952, ClinGen allele CA060409.

ClinVar aggregate classification (germline): Uncertain significance. Review status: criteria provided, multiple submitters, no conflicts (2 of 4 stars). 2 submissions from 2 submitters: Uncertain significance (2). Last evaluated 2024-03-05.

Conditions:
Multiple endocrine neoplasia, type 1 (MEN1). Also called: MEN I; WERMER SYNDROME; Endocrine adenomatosis multiple; MEN 1; MEA I. Identifiers: Orphanet 652, MedGen C0025267, MeSH D018761, MONDO:0007540, OMIM 131100.

Allele frequency attached by ClinVar (database versions not stated): gnomAD exomes below 0.00001; ESP Exome Variant Server 0.00008.
gnomAD v4.1: 3 of 1,613,770 alleles (0.00019%); highest among the groups gnomAD compares: Non-Finnish European, 0.00025%; no homozygotes.

Submissions (2):

All of Us Research Program, National Institutes of Health
Classification: Uncertain significance for Multiple endocrine neoplasia, type 1. Last evaluated: 2024-03-05. Review status: criteria provided, single submitter. Criteria: ACMG Guidelines, 2015. Collection method: clinical testing. Allele origin: germline. Inheritance: Autosomal dominant inheritance. Observed: 1 variant allele, 1 heterozygote.
Comment: This study involves interpretation of variants in research participants for the purpose of population health screening. Participant phenotype was not available at the time of variant classification. Additional details can be found in publication PMID: 35346344, PMCID: PMC8962531

Labcorp Genetics (formerly Invitae), Labcorp
Classification: Uncertain significance for Multiple endocrine neoplasia, type 1. Last evaluated: 2021-05-21. Review status: criteria provided, single submitter. Criteria: Invitae Variant Classification Sherloc (09022015). Collection method: clinical testing. Allele origin: germline.
Comment: This sequence change replaces glutamic acid with aspartic acid at codon 448 of the MEN1 protein (p.Glu448Asp). The glutamic acid residue is weakly conserved and there is a small physicochemical difference between glutamic acid and aspartic acid. This variant is present in population databases (rs371339952, ExAC 0.002%). This variant has not been reported in the literature in individuals with MEN1-related conditions. Advanced modeling of protein sequence and biophysical properties (such as structural, functional, and spatial information, amino acid conservation, physicochemical variation, residue mobility, and thermodynamic stability) performed at Invitae indicates that this missense variant is not expected to disrupt MEN1 protein function. In summary, the available evidence is currently insufficient to determine the role of this variant in disease. Therefore, it has been classified as a Variant of Uncertain Significance.